The following is an entry in ClinVar:

NM_000455.5(STK11):c.1109-14C>T

Gene: STK11 (serine/threonine kinase 11; plus strand). Cytogenetic location: 19p13.3.
Variant type: single nucleotide variant.
Coding change: c.1109-14C>T on transcript NM_000455.5 (MANE Select); 14 bases into the intron before coding-DNA position 1109, C replaced by T.
Molecular consequence: intron variant.
Genome position (GRCh38, 1-based): chr19:1,226,440, C>T. VCF-style: chr19-1226440-C-T. GRCh37 (hg19) VCF-style: chr19-1226439-C-T.
Identifiers: ClinVar variation 378680 (VCV000378680.22), dbSNP rs780434041, ClinGen allele CA045396.
Genomic context (GRCh38, chr19:1,226,440, plus strand): 5'-GGGGGCCAGCCAGGTCCCTGTGGCTCTGGGGTTGCGCCCCTCAGCTCAGGCCACACTTGC[C>T]GTCTCCCTCCCAGGACAGGTCCCAGAAGAGGAGGCCAGTCACAATGGACAGCGCCGGGGC-3'

ClinVar aggregate classification (germline): Benign/Likely benign. Review status: criteria provided, multiple submitters, no conflicts (2 of 4 stars). 9 submissions from 9 submitters: Benign (2); Likely benign (6). 1 of the submissions does not count toward it. Last evaluated 2026-01-10.

Conditions:
Hereditary cancer-predisposing syndrome. Also called: Hereditary neoplastic syndrome; Tumor predisposition; Neoplastic Syndromes, Hereditary; Hereditary Cancer Syndrome. Identifiers: Orphanet 140162, MedGen C0027672, MeSH D009386, MONDO:0015356.
Peutz-Jeghers syndrome (PJS). Also called: Peutz-Jeghers polyposis; Periorificial lentiginosis syndrome; POLYPOSIS, HAMARTOMATOUS INTESTINAL; POLYPS-AND-SPOTS SYNDROME. Identifiers: Orphanet 2869, MedGen C0031269, MeSH D010580, MONDO:0008280, OMIM 175200.

Allele frequency attached by ClinVar (database versions not stated): gnomAD 0.00002; gnomAD exomes 0.00002 and 0.00003; TOPMed 0.00002; ExAC 0.00004.

Submissions (9):

Labcorp Genetics (formerly Invitae), Labcorp
Classification: Likely benign for Peutz-Jeghers syndrome. Last evaluated: 2026-01-10. Review status: criteria provided, single submitter. Criteria: Invitae Variant Classification Sherloc (09022015). Collection method: clinical testing. Allele origin: germline.

Center for Genomic Medicine, Rigshospitalet, Copenhagen University Hospital
Classification: Likely benign. Last evaluated: 2025-03-04. Review status: criteria provided, single submitter. Criteria: ACMG Guidelines, 2015. Collection method: clinical testing. Allele origin: germline.

All of Us Research Program, National Institutes of Health
Classification: Likely benign for Peutz-Jeghers syndrome. Last evaluated: 2023-11-02. Review status: criteria provided, single submitter. Criteria: ACMG Guidelines, 2015. Collection method: clinical testing. Allele origin: germline. Inheritance: Autosomal dominant inheritance. Observed: 6 variant alleles, 6 heterozygotes.
Comment: This study involves interpretation of variants in research participants for the purpose of population health screening. Participant phenotype was not available at the time of variant classification. Additional details can be found in publication PMID: 35346344, PMCID: PMC8962531

Myriad Genetics, Inc.
Classification: Benign for Peutz-Jeghers syndrome. Last evaluated: 2023-04-12. Review status: criteria provided, single submitter. Criteria: Myriad Autosomal Dominant, Autosomal Recessive and X-Linked Classification Criteria (2023). Collection method: clinical testing. Allele origin: unknown.
Comment: This variant is considered benign. This variant is intronic and is not expected to impact mRNA splicing. Homozygosity has been confirmed in one or more individuals. As homozygosity for pathogenic variants in this gene is generally assumed to result in embryonic lethality, this variant is unlikely to be pathogenic.

Department of Pathology and Laboratory Medicine, Sinai Health System
Classification: Likely benign for Peutz-Jeghers syndrome. Last evaluated: 2022-05-03. Review status: criteria provided, single submitter. Criteria: ACMG Guidelines, 2015. Collection method: clinical testing. Allele origin: germline. Affected: yes.

Genome-Nilou Lab
Classification: Likely benign for Peutz-Jeghers syndrome. Last evaluated: 2021-07-15. Review status: criteria provided, single submitter. Criteria: ACMG Guidelines, 2015. Collection method: clinical testing. Allele origin: germline. Affected: no.

Color Diagnostics, LLC DBA Color Health
Classification: Likely benign for Hereditary cancer-predisposing syndrome. Last evaluated: 2016-09-06. Review status: criteria provided, single submitter. Criteria: ACMG Guidelines, 2015. Collection method: clinical testing. Allele origin: germline.

GeneDx
Classification: Benign. Last evaluated: 2015-07-09. Review status: criteria provided, single submitter. Criteria: GeneDx Variant Classification (06012015). Collection method: clinical testing. Allele origin: germline. Affected: yes.
Comment: This variant is considered likely benign or benign based on one or more of the following criteria: it is a conservative change, it occurs at a poorly conserved position in the protein, it is predicted to be benign by multiple in silico algorithms, and/or has population frequency not consistent with disease.

Counsyl
Classification: Likely benign for Peutz-Jeghers syndrome. Last evaluated: 2018-04-18. Review status: no assertion criteria provided. Collection method: clinical testing. Allele origin: unknown. Not counted in ClinVar's aggregate classification.